The following is an entry in ClinVar:

NM_015512.5(DNAH1):c.6258+5A>G

Gene: DNAH1 (dynein axonemal heavy chain 1; plus strand). Cytogenetic location: 3p21.1.
Variant type: single nucleotide variant.
Coding change: c.6258+5A>G on transcript NM_015512.5 (MANE Select); 5 bases into the intron after coding-DNA position 6258, A replaced by G.
Molecular consequence: intron variant.
Genome position (GRCh38, 1-based): chr3:52,370,234, A>G. VCF-style: chr3-52370234-A-G. GRCh37 (hg19) VCF-style: chr3-52404250-A-G.
Identifiers: ClinVar variation 571922 (VCV000571922.8), dbSNP rs1311144381, ClinGen allele CA543056624.
Genomic context (GRCh38, chr3:52,370,234, plus strand): 5'-CCATGAGCCTCCTCAAGCTGCTGGACTGCTTCTTCAAGCCCTTTCTGCCTAGAGAGGTAC[A>G]GCCCTGAGAGTGGGGCTAGATGCACCTGGTCCCTCTCCCCACACTGCTCTCCTTGCTCTC-3'

ClinVar aggregate classification (germline): Uncertain significance (1 of 4 stars; one submission).

Conditions:
Spermatogenic failure 18. Identifiers: MedGen C4539783, MONDO:0054615, OMIM 617576.
Ciliary dyskinesia, primary, 37 (CILD37). Also called: CILIARY DYSKINESIA, PRIMARY, 37, WITH OR WITHOUT SITUS INVERSUS. Identifiers: MedGen C4539798, MONDO:0033204, OMIM 617577.

Allele frequency attached by ClinVar (database versions not stated): gnomAD exomes below 0.00001; TOPMed 0.00001; gnomAD 0.00003 and 0.00004.

Submission:

Labcorp Genetics (formerly Invitae), Labcorp
Classification: Uncertain significance for Ciliary dyskinesia, primary, 37; Spermatogenic failure 18. Last evaluated: 2019-07-04. Review status: criteria provided, single submitter. Criteria: Invitae Variant Classification Sherloc (09022015). Collection method: clinical testing. Allele origin: germline.
Comment: This variant is not present in population databases (ExAC no frequency). This variant has not been reported in the literature in individuals with DNAH1-related disease. Nucleotide substitutions within the consensus splice site are a relatively common cause of aberrant splicing (PMID: 17576681, 9536098). Algorithms developed to predict the effect of sequence changes on RNA splicing suggest that this variant may create or strengthen a splice site, but this prediction has not been confirmed by published transcriptional studies. In summary, the available evidence is currently insufficient to determine the role of this variant in disease. Therefore, it has been classified as a Variant of Uncertain Significance. This sequence change falls in intron 39 of the DNAH1 gene. It does not directly change the encoded amino acid sequence of the DNAH1 protein, but it affects a nucleotide within the consensus splice site of the intron.

Literature cited by the submitters: PubMed 17576681; PubMed 9536098.